The following is an entry in ClinVar:

ClinVar aggregate classification (germline): Uncertain significance (1 of 4 stars; one submission).

Conditions:
Hajdu-Cheney syndrome (HJCYS). Also called: Acroosteolysis dominant type; ACROOSTEOLYSIS WITH OSTEOPOROSIS AND CHANGES IN SKULL AND MANDIBLE; SERPENTINE FIBULA-POLYCYSTIC KIDNEY SYNDROME. Identifiers: Orphanet 955, MedGen C0917715, MONDO:0007057, OMIM 102500.

Allele frequency attached by ClinVar (database versions not stated): gnomAD 0.00001; ExAC 0.00002; gnomAD exomes 0.00002.
gnomAD v4.1: 25 of 1,612,862 alleles (0.0016%); highest among the groups gnomAD compares: South Asian, 0.027%; no homozygotes.

Submission:

Labcorp Genetics (formerly Invitae), Labcorp
Classification: Uncertain significance for Hajdu-Cheney syndrome. Last evaluated: 2024-09-26. Review status: criteria provided, single submitter. Criteria: Invitae Variant Classification Sherloc (09022015). Collection method: clinical testing. Allele origin: germline.
Comment: This sequence change falls in intron 19 of the NOTCH2 gene. It does not directly change the encoded amino acid sequence of the NOTCH2 protein. It affects a nucleotide within the consensus splice site. This variant is present in population databases (rs782244315, gnomAD 0.03%). This variant has not been reported in the literature in individuals affected with NOTCH2-related conditions. ClinVar contains an entry for this variant (Variation ID: 1910788). Variants that disrupt the consensus splice site are a relatively common cause of aberrant splicing (PMID: 17576681, 9536098). Algorithms developed to predict the effect of sequence changes on RNA splicing suggest that this variant is not likely to affect RNA splicing. In summary, the available evidence is currently insufficient to determine the role of this variant in disease. Therefore, it has been classified as a Variant of Uncertain Significance.

Literature cited by the submitters: PubMed 17576681; PubMed 9536098.

NM_024408.4(NOTCH2):c.3183+4A>G

Gene: NOTCH2 (notch receptor 2; minus strand). Cytogenetic location: 1p12.
Variant type: single nucleotide variant.
Coding change: c.3183+4A>G on transcript NM_024408.4 (MANE Select); 4 bases into the intron after coding-DNA position 3183, A replaced by G.
Molecular consequence: intron variant.
Genome position (GRCh38, 1-based): chr1:119,940,551, T>C on the plus strand (A>G on the coding strand, the complement: NOTCH2 is on the minus strand). VCF-style: chr1-119940551-T-C. GRCh37 (hg19) VCF-style: chr1-120483174-T-C.
Other names: c.3183+4A>G (NM_001200001.2).
Identifiers: ClinVar variation 1910788 (VCV001910788.5), dbSNP rs782244315, ClinGen allele CA1040132.